The following is an entry in ClinVar:

ClinVar aggregate classification (germline): Uncertain significance. Review status: criteria provided, multiple submitters, no conflicts (2 of 4 stars). 3 submissions from 3 submitters: Uncertain significance (3). Last evaluated 2024-11-06.

Conditions:
Rhabdoid tumor predisposition syndrome 2 (RTPS2). Identifiers: Orphanet 231108, Orphanet 69077, MedGen C2750074, MONDO:0013224, OMIM 613325.
Intellectual disability, autosomal dominant 16 (CSS4). Also called: COFFIN-SIRIS SYNDROME 4. Identifiers: Orphanet 1465, MedGen C3553249, MONDO:0013821, OMIM 614609.

Allele frequency attached by ClinVar (database versions not stated): gnomAD exomes below 0.00001.
gnomAD v4.1: 1 of 1,614,122 alleles (0.000062%); highest among the groups gnomAD compares: African/African-American, 0.0013%; no homozygotes.

Submissions (3):

Labcorp Genetics (formerly Invitae), Labcorp
Classification: Uncertain significance for Rhabdoid tumor predisposition syndrome 2. Last evaluated: 2024-11-06. Review status: criteria provided, single submitter. Criteria: Invitae Variant Classification Sherloc (09022015). Collection method: clinical testing. Allele origin: germline.
Comment: This sequence change replaces threonine, which is neutral and polar, with methionine, which is neutral and non-polar, at codon 794 of the SMARCA4 protein (p.Thr794Met). This variant is not present in population databases (gnomAD no frequency). This variant has not been reported in the literature in individuals affected with SMARCA4-related conditions. ClinVar contains an entry for this variant (Variation ID: 1040424). Invitae Evidence Modeling of protein sequence and biophysical properties (such as structural, functional, and spatial information, amino acid conservation, physicochemical variation, residue mobility, and thermodynamic stability) indicates that this missense variant is expected to disrupt SMARCA4 protein function with a positive predictive value of 95%. In summary, the available evidence is currently insufficient to determine the role of this variant in disease. Therefore, it has been classified as a Variant of Uncertain Significance.

Institute for Clinical Genetics, University Hospital TU Dresden, University Hospital TU Dresden
Classification: Uncertain significance. Last evaluated: 2021-11-03. Review status: criteria provided, single submitter. Criteria: ACMG Guidelines, 2015. Collection method: clinical testing. Allele origin: germline.

Genome-Nilou Lab
Classification: Uncertain significance for Intellectual disability, autosomal dominant 16. Last evaluated: 2021-07-15. Review status: criteria provided, single submitter. Criteria: ACMG Guidelines, 2015. Collection method: clinical testing. Allele origin: germline. Affected: no.

NM_003072.5(SMARCA4):c.2381C>T (p.Thr794Met)

Gene: SMARCA4 (SWI/SNF related BAF chromatin remodeling complex subunit ATPase 4; plus strand). Cytogenetic location: 19p13.2.
Variant type: single nucleotide variant.
Coding change: c.2381C>T on transcript NM_003072.5 (MANE Select); coding-DNA position 2381, C replaced by T.
Protein change: p.Thr794Met; replaces threonine 794 with methionine.
Molecular consequence: missense variant. On other transcripts: non-coding transcript variant (1).
Genome position (GRCh38, 1-based): chr19:11,013,055, C>T. VCF-style: chr19-11013055-C-T. GRCh37 (hg19) VCF-style: chr19-11123731-C-T.
Other names: c.2381C>T, p.Thr794Met (NM_001128844.3, NM_001128845.2, NM_001128846.2 and 5 more transcripts); short protein forms T794M.
Identifiers: ClinVar variation 1040424 (VCV001040424.13), dbSNP rs1193519882, ClinGen allele CA404053236.